The following is an entry in ClinVar:

NM_004046.6(ATP5F1A):c.843T>A (p.Asp281Glu)

Gene: ATP5F1A (ATP synthase F1 subunit alpha; minus strand). Cytogenetic location: 18q21.1.
Variant type: single nucleotide variant.
Coding change: c.843T>A on transcript NM_004046.6 (MANE Select); coding-DNA position 843, T replaced by A.
Protein change: p.Asp281Glu; replaces aspartic acid 281 with glutamic acid.
Molecular consequence: missense variant.
Genome position (GRCh38, 1-based): chr18:46,087,449, A>T on the plus strand (T>A on the coding strand, the complement: ATP5F1A is on the minus strand). VCF-style: chr18-46087449-A-T. GRCh37 (hg19) VCF-style: chr18-43667415-A-T.
Other names: c.693T>A, p.Asp231Glu (NM_001001935.3, NM_001257335.2); c.843T>A, p.Asp281Glu (NM_001001937.2); c.777T>A, p.Asp259Glu (NM_001257334.2); short protein forms D231E, D259E, D281E.
Identifiers: ClinVar variation 3369858 (VCV003369858.1).
Genomic context (GRCh38, chr18:46,087,449, plus strand): 5'-TCTAAAATACTCTCCCATGGAACAGCCAGAGTAAGGAGCCAGGTACTGAAGTGGGGCAGC[A>T]TCCGAGGCCGTAGCCGACACCACAATGGTGTACTTCATGGCATCTGAGAAAATATATTTT-3'
Protein context (NP_004037.1, residues 271-291): YTIVVSATAS[Asp281Glu]AAPLQYLAPY

ClinVar aggregate classification (germline): Uncertain significance (1 of 4 stars; one submission).

gnomAD v4.1: 1 of 1,614,136 alleles (0.000062%); highest among the groups gnomAD compares: Non-Finnish European, 0.000085%; no homozygotes.

Submission:

GeneDx
Classification: Uncertain significance. Last evaluated: 2024-03-01. Review status: criteria provided, single submitter. Criteria: GeneDx Variant Classification Process June 2021. Collection method: clinical testing. Allele origin: germline. Affected: yes.
Comment: Has not been previously published as pathogenic or benign to our knowledge; Not observed at significant frequency in large population cohorts (gnomAD); In silico analysis supports that this missense variant does not alter protein structure/function